The following is an entry in ClinVar:

ClinVar aggregate classification (germline): Uncertain significance (1 of 4 stars; one submission).

Conditions:
Leigh syndrome (NULS). Also called: Leigh's necrotizing encephalopathy; Leigh's disease; Leigh Syndrome (mtDNA deletion); Leigh Disease; Subacute necrotizing encephalopathy; Necrotizing encephalopathy infantile subacute of Leigh. Identifiers: Orphanet 506, MedGen C2931891, MONDO:0009723, OMIM 256000.

Submission:

Wong Mito Lab, Molecular and Human Genetics, Baylor College of Medicine
Classification: Uncertain significance for Leigh syndrome. Last evaluated: 2019-10-17. Review status: criteria provided, single submitter. Criteria: Modified ACMG Guidelines (Unpublished). Collection method: clinical testing. Allele origin: germline.
Comment: The NC_012920.1:m.4765T>C (YP_003024027.1:p.Met99Thr) variant in MTND2 gene is interpretated to be a Uncertain Significance variant based on the modified ACMG guidelines (unpublished). This variant meets the following evidence codes: BP4

NC_012920.1(MT-ND2):m.4765T>C

Gene: MT-ND2 (mitochondrially encoded NADH dehydrogenase 2; plus strand).
Variant type: single nucleotide variant.
Genome position: chrM-4765-T-C.
Identifiers: ClinVar variation 692501 (VCV000692501.1), dbSNP rs1603219611, ClinGen allele CA414775687.